The following is an entry in ClinVar:

ClinVar aggregate classification (germline): Benign/Likely benign. Review status: criteria provided, multiple submitters, no conflicts (2 of 4 stars). 11 submissions from 11 submitters: Benign (3); Likely benign (5). 3 of the submissions do not count toward it. Last evaluated 2026-09-01.

Conditions:
Frontotemporal dementia and/or amyotrophic lateral sclerosis 1 (FTDALS1). Also called: Frontotemporal dementia with motor neuron disease 1; C9orf72 Frontotemporal Dementia and/or Amyotrophic Lateral Sclerosis. Identifiers: Orphanet 275872, MedGen C5779877, MONDO:0007105, OMIM 105550.
Paget disease of bone 2, early-onset (PDB2). Also called: Paget disease of bone 2. Identifiers: MedGen C4085251, MONDO:0011183, OMIM 602080.
Paget disease of bone 3. Identifiers: MedGen C4085252, MONDO:0008176, OMIM 167250.

Allele frequency attached by ClinVar (database versions not stated): 1000 Genomes Project 30x 0.00062; TOPMed 0.00069; ESP Exome Variant Server 0.00077; 1000 Genomes Project 0.00080; gnomAD 0.00121 and 0.00126; gnomAD exomes 0.00128 and 0.00157; ExAC 0.00152.
gnomAD v4.1: 2,053 of 1,613,458 alleles (0.13%); highest among the groups gnomAD compares: Non-Finnish European, 0.13%; 3 homozygotes.

Submissions (11):

CeGaT Center for Human Genetics Tuebingen
Classification: Likely benign. Last evaluated: 2026-09-01. Review status: criteria provided, single submitter. Criteria: CeGaT Center For Human Genetics Tuebingen Variant Classification Criteria Version 2. Collection method: clinical testing. Allele origin: germline. Affected: yes. Observed: 23 variant alleles.
Comment: SQSTM1: BP4, BS2

Labcorp Genetics (formerly Invitae), Labcorp
Classification: Benign for Paget disease of bone 2, early-onset; Frontotemporal dementia and/or amyotrophic lateral sclerosis 1. Last evaluated: 2026-02-01. Review status: criteria provided, single submitter. Criteria: Invitae Variant Classification Sherloc (09022015). Collection method: clinical testing. Allele origin: germline.

Athena Diagnostics
Classification: Benign. Last evaluated: 2025-08-21. Review status: criteria provided, single submitter. Criteria: Athena Diagnostics Criteria. Collection method: clinical testing. Allele origin: unknown.
Comment: The frequency of this variant in the general population is higher than would generally be expected for pathogenic variants in this gene. Computational tools predict this amino acid change may be benign.

Blueprint Genetics
Classification: Likely benign. Last evaluated: 2024-11-25. Review status: criteria provided, single submitter. Criteria: ACMG Guidelines, 2015. Collection method: clinical testing. Allele origin: germline.

Mayo Clinic Laboratories, Mayo Clinic
Classification: Benign. Last evaluated: 2024-08-29. Review status: criteria provided, single submitter. Criteria: ACMG Guidelines, 2015. Collection method: clinical testing. Allele origin: germline. Observed: 8 variant alleles.
Comment: BS1, BS2, BP4

GeneDx
Classification: Likely benign. Last evaluated: 2019-10-22. Review status: criteria provided, single submitter. Criteria: GeneDx Variant Classification Process June 2021. Collection method: clinical testing. Allele origin: germline. Affected: yes.
Comment: This variant is associated with the following publications: (PMID: 31859009, 26836416, 27594680)

Illumina Laboratory Services, Illumina
Classification: Likely benign for Paget disease of bone 3. Last evaluated: 2017-04-27. Review status: criteria provided, single submitter. Criteria: ICSL Variant Classification Criteria 13 December 2019. Collection method: clinical testing. Allele origin: germline.
Comment: This variant was observed as part of a predisposition screen in an ostensibly healthy population. A literature search was performed for the gene, cDNA change, and amino acid change (where applicable). Publications were found based on this search. The evidence from the literature, in combination with allele frequency data from public databases where available, was sufficient to determine this variant is unlikely to cause disease. Therefore, this variant is classified as likely benign.

PreventionGenetics, part of Exact Sciences
Classification: Likely benign. Review status: criteria provided, single submitter. Criteria: ACMG Guidelines, 2015. Collection method: clinical testing. Allele origin: germline.

Clinical Genetics DNA and cytogenetics Diagnostics Lab, Erasmus MC, Erasmus Medical Center
Classification: Likely benign. Review status: no assertion criteria provided. Collection method: clinical testing. Allele origin: germline. Affected: yes. Study: VKGL Data-share Consensus. Not counted in ClinVar's aggregate classification.

Genome Diagnostics Laboratory, Amsterdam University Medical Center
Classification: Likely benign. Review status: no assertion criteria provided. Collection method: clinical testing. Allele origin: germline. Affected: yes. Study: VKGL Data-share Consensus. Not counted in ClinVar's aggregate classification.

Genome Diagnostics Laboratory, University Medical Center Utrecht
Classification: Likely benign. Review status: no assertion criteria provided. Collection method: clinical testing. Allele origin: germline. Affected: yes. Study: VKGL Data-share Consensus. Not counted in ClinVar's aggregate classification.

Literature cited by the submitters: PubMed 26836416 (cited by Athena Diagnostics); PubMed 27594680 (cited by Athena Diagnostics); PubMed 22084127 (cited by Athena Diagnostics); PubMed 24899140 (cited by Athena Diagnostics); PubMed 11992264 (cited by Athena Diagnostics and Illumina Laboratory Services, Illumina); PubMed 27275741 (cited by Athena Diagnostics); PubMed 25796131 (cited by Athena Diagnostics); PubMed 31859009 (cited by Mayo Clinic Laboratories, Mayo Clinic).

NM_003900.5(SQSTM1):c.350C>T (p.Ala117Val)

Gene: SQSTM1 (sequestosome 1; plus strand). Cytogenetic location: 5q35.3.
Variant type: single nucleotide variant.
Coding change: c.350C>T on transcript NM_003900.5 (MANE Select); coding-DNA position 350, C replaced by T.
Protein change: p.Ala117Val; replaces alanine 117 with valine.
Molecular consequence: missense variant.
Genome position (GRCh38, 1-based): chr5:179,823,906, C>T. VCF-style: chr5-179823906-C-T. GRCh37 (hg19) VCF-style: chr5-179250906-C-T.
Other names: c.98C>T, p.Ala33Val (NM_001142298.2, NM_001142299.2); short protein forms A117V.
Identifiers: ClinVar variation 202212 (VCV000202212.60), dbSNP rs147810437, ClinGen allele CA346905.
Genomic context (GRCh38, chr5:179,823,906, plus strand): 5'-CCCTTCCTGTAGAGAAAAAAGAGTGCCGGCGGGACCACCGCCCACCGTGTGCTCAGGAGG[C>T]GCCCCGCAACATGGTGCACCCCAATGTGATCTGCGATGGCTGCAATGGGCCTGTGGTAGG-3'
Protein context (NP_003891.1, residues 107-127): RDHRPPCAQE[Ala117Val]PRNMVHPNVI